The following is an entry in ClinVar:

ClinVar aggregate classification (germline): Uncertain significance. Review status: criteria provided, multiple submitters, no conflicts (2 of 4 stars). 3 submissions from 3 submitters: Uncertain significance (3). Last evaluated 2025-08-02.

Conditions:
Hereditary cancer-predisposing syndrome. Also called: Tumor predisposition; Neoplastic Syndromes, Hereditary; Hereditary Cancer Syndrome; Hereditary neoplastic syndrome. Identifiers: Orphanet 140162, MedGen C0027672, MeSH D009386, MONDO:0015356.
Hereditary breast ovarian cancer syndrome. Also called: Hereditary breast and ovarian cancer syndrome; Hereditary breast and ovarian cancer; Hereditary breast and ovarian cancer syndrome (HBOC); Hereditary breast and/or ovarian cancer syndrome; Breast and ovarian cancer; BRCA1- and BRCA2-Associated Hereditary Breast and Ovarian Cancer. Identifiers: Orphanet 145, MedGen C0677776, MeSH D061325, MONDO:0003582. Disease mechanism: loss of function.

Submissions (3):

Ambry Genetics
Classification: Uncertain significance for Hereditary cancer-predisposing syndrome. Last evaluated: 2025-08-02. Review status: criteria provided, single submitter. Criteria: Ambry Variant Classification Scheme 2023. Collection method: clinical testing. Allele origin: germline.
Comment: The p.L1414R variant (also known as c.4241T>G), located in coding exon 11 of the BRCA1 gene, results from a T to G substitution at nucleotide position 4241. The leucine at codon 1414 is replaced by arginine, an amino acid with dissimilar properties. This amino acid position is well conserved in available vertebrate species. In addition, the in silico prediction for this alteration is inconclusive. Since supporting evidence is limited at this time, the clinical significance of this alteration remains unclear.

Labcorp Genetics (formerly Invitae), Labcorp
Classification: Uncertain significance for Hereditary breast ovarian cancer syndrome. Last evaluated: 2023-07-19. Review status: criteria provided, single submitter. Criteria: Invitae Variant Classification Sherloc (09022015). Collection method: clinical testing. Allele origin: germline.
Comment: In summary, the available evidence is currently insufficient to determine the role of this variant in disease. Therefore, it has been classified as a Variant of Uncertain Significance. Advanced modeling of protein sequence and biophysical properties (such as structural, functional, and spatial information, amino acid conservation, physicochemical variation, residue mobility, and thermodynamic stability) performed at Invitae indicates that this missense variant is not expected to disrupt BRCA1 protein function. ClinVar contains an entry for this variant (Variation ID: 245779). This variant has not been reported in the literature in individuals affected with BRCA1-related conditions. This variant is not present in population databases (gnomAD no frequency). This sequence change replaces leucine, which is neutral and non-polar, with arginine, which is basic and polar, at codon 1414 of the BRCA1 protein (p.Leu1414Arg).

GeneDx
Classification: Uncertain significance. Last evaluated: 2015-05-19. Review status: criteria provided, single submitter. Criteria: GeneDx Variant Classification (06012015). Collection method: clinical testing. Allele origin: germline. Affected: yes.
Comment: This variant is denoted BRCA1 c.4241T>G at the cDNA level, p.Leu1414Arg (L1414R) at the protein level, and results in the change of a Leucine to an Arginine (CTA>CGA). Using alternate nomenclature, this variant would be defined as BRCA1 4360T>G. This variant has not, to our knowledge, been published in the literature as pathogenic or benign. BRCA1 Leu1414Arg was not observed in approximately 6,500 individuals of European and African American ancestry in the NHLBI Exome Sequencing Project, indicating it is not a common benign variant in these populations. Since Leucine and Arginine differ in polarity, charge, size or other properties, this is considered a non-conservative amino acid substitution. BRCA1 Leu1414Arg occurs at a position where amino acids with properties similar to Leucine are tolerated across species and is located in the In SQ/TQ cluster domain (SCD) (Narod 2004, Roy 2012). In silico analyses predict this variant is probably damaging to protein structure and function. Based on currently available information, it is unclear whether BRCA1 Leu1414Arg is pathogenic or benign. We consider it to be a variant of uncertain significance.

NM_007294.4(BRCA1):c.4241T>G (p.Leu1414Arg)

Gene: BRCA1 (BRCA1 DNA repair associated; minus strand). Cytogenetic location: 17q21.31.
Variant type: single nucleotide variant.
Coding change: c.4241T>G on transcript NM_007294.4 (MANE Select); coding-DNA position 4241, T replaced by G.
Protein change: p.Leu1414Arg; replaces leucine 1414 with arginine.
Molecular consequence: missense variant. On other transcripts: non-coding transcript variant (1).
Genome position (GRCh38, 1-based): chr17:43,082,520, A>C on the plus strand (T>G on the coding strand, the complement: BRCA1 is on the minus strand). VCF-style: chr17-43082520-A-C. GRCh37 (hg19) VCF-style: chr17-41234537-A-C.
Other names: c.4028T>G, p.Leu1343Arg (NM_001407571.1, NM_001407853.1, NM_001407894.1 and 12 more transcripts); c.4241T>G, p.Leu1414Arg (NM_001407581.1, NM_001407582.1, NM_001407583.1 and 23 more transcripts); c.4238T>G, p.Leu1413Arg (NM_001407587.1, NM_001407590.1, NM_001407591.1 and 21 more transcripts); c.4235T>G, p.Leu1412Arg (NM_001407627.1, NM_001407628.1, NM_001407629.1 and 5 more transcripts); c.4229T>G, p.Leu1410Arg (NM_001407646.1, NM_001407647.1); c.4118T>G, p.Leu1373Arg (NM_001407648.1, NM_001407664.1, NM_001407665.1 and 13 more transcripts); c.4115T>G, p.Leu1372Arg (NM_001407649.1, NM_001407670.1, NM_001407671.1 and 12 more transcripts); c.4163T>G, p.Leu1388Arg (NM_001407653.1, NM_001407654.1, NM_001407655.1 and 2 more transcripts); and 51 more; short protein forms L1414R, L1367R, L311R, L1303R, L1324R, L1326R, L1342R, L1346R.
Identifiers: ClinVar variation 245779 (VCV000245779.17), dbSNP rs878854951, ClinGen allele CA10584556.